The following is an entry in ClinVar:

NM_001166114.2(PNPLA6):c.1048A>C (p.Thr350Pro)

Gene: PNPLA6 (patatin like domain 6, lysophospholipase; plus strand). Cytogenetic location: 19p13.2.
Variant type: single nucleotide variant.
Coding change: c.1048A>C on transcript NM_001166114.2 (MANE Select); coding-DNA position 1048, A replaced by C.
Protein change: p.Thr350Pro; replaces threonine 350 with proline.
Molecular consequence: missense variant.
Genome position (GRCh38, 1-based): chr19:7,541,564, A>C. VCF-style: chr19-7541564-A-C. GRCh37 (hg19) VCF-style: chr19-7606450-A-C.
Other names: c.1075A>C, p.Thr359Pro (NM_001166111.2); c.931A>C, p.Thr311Pro (NM_001166112.2, NM_001166113.1, NM_006702.5); short protein forms T350P, T311P, T359P.
Identifiers: ClinVar variation 2001527 (VCV002001527.4), dbSNP rs367652625, ClinGen allele CA403109081.

ClinVar aggregate classification (germline): Uncertain significance (1 of 4 stars; one submission).

Conditions:
Hereditary spastic paraplegia 39 (SPG39). Also called: Spastic Paraplegia Type 39 (SPG39); SPASTIC PARAPLEGIA 39, AUTOSOMAL RECESSIVE. Identifiers: Orphanet 139480, MedGen C2677586, MONDO:0012787, OMIM 612020.

Submission:

Labcorp Genetics (formerly Invitae), Labcorp
Classification: Uncertain significance for Hereditary spastic paraplegia 39. Last evaluated: 2022-05-31. Review status: criteria provided, single submitter. Criteria: Invitae Variant Classification Sherloc (09022015). Collection method: clinical testing. Allele origin: germline.
Comment: In summary, the available evidence is currently insufficient to determine the role of this variant in disease. Therefore, it has been classified as a Variant of Uncertain Significance. Algorithms developed to predict the effect of missense changes on protein structure and function output the following: SIFT: "Tolerated"; PolyPhen-2: "Benign"; Align-GVGD: "Class C0". The proline amino acid residue is found in multiple mammalian species, which suggests that this missense change does not adversely affect protein function. This variant has not been reported in the literature in individuals affected with PNPLA6-related conditions. This variant is not present in population databases (gnomAD no frequency). This sequence change replaces threonine, which is neutral and polar, with proline, which is neutral and non-polar, at codon 311 of the PNPLA6 protein (p.Thr311Pro).